The following is an entry in ClinVar:

ClinVar aggregate classification (germline): Conflicting classifications of pathogenicity. Review status: criteria provided, conflicting classifications (1 of 4 stars). 3 submissions from 3 submitters: Uncertain significance (2); Likely benign (1). Last evaluated 2025-05-23.

Conditions:
Farber lipogranulomatosis (FRBRL). Also called: Farber's lipogranulomatosis; Farber's disease; Farber disease; AC DEFICIENCY; ACID CERAMIDASE DEFICIENCY; CERAMIDASE DEFICIENCY. Identifiers: Orphanet 333, MedGen C0268255, MONDO:0009218, OMIM 228000.

Allele frequency attached by ClinVar (database versions not stated): gnomAD exomes 0.00013 and 0.00029; gnomAD 0.00014 and 0.00015; ESP Exome Variant Server 0.00016; TOPMed 0.00018; ExAC 0.00025.
gnomAD v4.1: 224 of 1,598,410 alleles (0.014%); highest among the groups gnomAD compares: Middle Eastern, 0.017%; no homozygotes.

Submissions (3):

Mayo Clinic Laboratories, Mayo Clinic
Classification: Likely benign. Last evaluated: 2025-05-23. Review status: criteria provided, single submitter. Criteria: ACMG Guidelines, 2015. Collection method: clinical testing. Allele origin: germline. Observed: 2 variant alleles.
Comment: BS1, BP4, BP6

Illumina Laboratory Services, Illumina
Classification: Uncertain significance for Farber lipogranulomatosis. Last evaluated: 2018-01-13. Review status: criteria provided, single submitter. Criteria: ICSL Variant Classification Criteria 13 December 2019. Collection method: clinical testing. Allele origin: germline.

Athena Diagnostics
Classification: Uncertain significance. Last evaluated: 2017-09-18. Review status: criteria provided, single submitter. Criteria: Athena Diagnostics Criteria. Collection method: clinical testing. Allele origin: germline.

NM_177924.5(ASAH1):c.-6A>G

Genes: ASAH1 (N-acylsphingosine amidohydrolase 1; minus strand), LOC129999940 (ATAC-STARR-seq lymphoblastoid silent region 18966; plus strand). Cytogenetic location: 8p22.
Variant type: single nucleotide variant.
Coding change: c.-6A>G on transcript NM_177924.5 (MANE Select); 6 bases upstream of the start codon, A replaced by G.
Molecular consequence: 5 prime UTR variant. On other transcripts: intron variant (2).
Genome position (GRCh38, 1-based): chr8:18,084,064, T>C on the plus strand (A>G on the coding strand, the complement: ASAH1 is on the minus strand). VCF-style: chr8-18084064-T-C. GRCh37 (hg19) VCF-style: chr8-17941573-T-C.
Other names: c.126+612A>G (NM_004315.6, NM_001127505.3).
Identifiers: ClinVar variation 362387 (VCV000362387.7), dbSNP rs200503438, ClinGen allele CA4651149.
Genomic context (GRCh38, chr8:18,084,064, plus strand): 5'-CACAGCTGACGGCGGCAGCCAGGAGGACTAAGGCGACGCAACTCCGGCCCGGCATCGCTC[T>C]AGCAGCCAACGCCACTCCCCGGACTCCAGCAGAGGCAAAGAAGAGCCGGCTGGGCCGGGG-3'